The following is an entry in ClinVar:

ClinVar aggregate classification (germline): Uncertain significance (1 of 4 stars; one submission).

Submission:

Women's Health and Genetics/Laboratory Corporation of America, LabCorp
Classification: Uncertain significance. Last evaluated: 2026-05-18. Review status: criteria provided, single submitter. Criteria: LabCorp Variant Classification Summary - May 2015. Collection method: clinical testing. Allele origin: germline.
Comment: Variant summary: The variant involves the duplication of exons 1-4 in the LAMTOR2 gene (duplication of entire gene). This duplication includes the entire coding sequence of the gene. As exact breakpoints are unknown, it may extend beyond the annotated region of the gene, to include other flanking genes. A presumed nomenclature of c.(?_-109)_(*136_?)dup has been designated for the purposes of this classification. The variant was absent in 21694 control chromosomes (gnomAD SVs). The available data on variant occurrences in the general population are insufficient to allow any conclusion about variant significance. To our knowledge, no occurrence of c.(?_-109)_(*136_?)dup in individuals affected with LAMTOR2-related conditions and no experimental evidence demonstrating its impact on protein function have been reported. No submitters have cited clinical-significance assessments for this variant to ClinVar. Based on the evidence outlined above, the variant was classified as uncertain significance.

NC_000001.10:g.(?_156024572)_(156028298_?)dup

Gene: LAMTOR2 (late endosomal/lysosomal adaptor, MAPK and MTOR activator 2; plus strand). Cytogenetic location: 1q22.
Variant type: Duplication.
Identifiers: ClinVar variation 4853027 (VCV004853027.1).